The following is an entry in ClinVar:

NM_002184.4(IL6ST):c.2199C>A (p.Cys733Ter)

Gene: IL6ST (interleukin 6 cytokine family signal transducer; minus strand). Cytogenetic location: 5q11.2.
Variant type: single nucleotide variant.
Coding change: c.2199C>A on transcript NM_002184.4 (MANE Select); coding-DNA position 2199, C replaced by A.
Protein change: p.Cys733Ter; replaces cysteine 733 with a stop codon.
Molecular consequence: nonsense. On other transcripts: 3 prime UTR variant (1), non-coding transcript variant (2).
Genome position (GRCh38, 1-based): chr5:55,941,640, G>T on the plus strand (C>A on the coding strand, the complement: IL6ST is on the minus strand). VCF-style: chr5-55941640-G-T. GRCh37 (hg19) VCF-style: chr5-55237468-G-T.
Other names: c.2016C>A, p.Cys672Ter (NM_001190981.2); c.2097C>A, p.Cys699Ter (NM_001364275.2); c.1989C>A, p.Cys663Ter (NM_001364276.2); c.1332C>A, p.Cys444Ter (NM_001364277.2); c.1296C>A, p.Cys432Ter (NM_001364278.2); c.1203C>A, p.Cys401Ter (NM_001364279.2); c.*1126C>A (NM_175767.3); short protein forms C699*, C733*, C401*, C663*, C432*, C444*, C672*.
Identifiers: ClinVar variation 1929365 (VCV001929365.5), dbSNP rs1228531384, ClinGen allele CA359779248.

ClinVar aggregate classification (germline): Pathogenic (1 of 4 stars; one submission).

Submission:

Labcorp Genetics (formerly Invitae), Labcorp
Classification: Pathogenic. Last evaluated: 2022-10-12. Review status: criteria provided, single submitter. Criteria: Invitae Variant Classification Sherloc (09022015). Collection method: clinical testing. Allele origin: germline.
Comment: This premature translational stop signal has been observed in individual(s) with autosomal dominant IL6ST-related conditions (PMID: 32207811). This variant is not present in population databases (gnomAD no frequency). This sequence change creates a premature translational stop signal (p.Cys733*) in the IL6ST gene. While this is not anticipated to result in nonsense mediated decay, it is expected to disrupt the last 186 amino acid(s) of the IL6ST protein. Algorithms developed to predict the effect of variants on protein structure and function are not available or were not evaluated for this variant. For these reasons, this variant has been classified as Pathogenic. This variant disrupts the region of the IL6ST protein between codon 719 and 761. Other variants in this region have been observed in individuals with autosomal dominant IL6ST-related conditions (PMID: 32207811), which suggests that this may be a clinically significant region of the protein. Experimental studies have shown that this premature translational stop signal affects IL6ST function (PMID: 32207811).

Literature cited by the submitters: PubMed 32207811.